The following is an entry in ClinVar:

ClinVar aggregate classification (germline): Uncertain significance. Review status: criteria provided, multiple submitters, no conflicts (2 of 4 stars). 2 submissions from 2 submitters: Uncertain significance (2). Last evaluated 2024-05-15.

Conditions:
Fanconi anemia (FA). Also called: Fanconi's anemia. Identifiers: Orphanet 84, MedGen C0015625, MeSH D005199, MONDO:0019391.

Allele frequency attached by ClinVar (database versions not stated): ExAC 0.00002; TOPMed 0.00002; gnomAD 0.00003.
gnomAD v4.1: 40 of 1,614,034 alleles (0.0025%); highest among the groups gnomAD compares: South Asian, 0.014%; no homozygotes.

Submissions (2):

Labcorp Genetics (formerly Invitae), Labcorp
Classification: Uncertain significance for Fanconi anemia. Last evaluated: 2024-05-15. Review status: criteria provided, single submitter. Criteria: Invitae Variant Classification Sherloc (09022015). Collection method: clinical testing. Allele origin: germline.
Comment: This sequence change replaces arginine, which is basic and polar, with tryptophan, which is neutral and slightly polar, at codon 408 of the SLX4 protein (p.Arg408Trp). This variant is present in population databases (rs758029323, gnomAD 0.006%). This variant has not been reported in the literature in individuals affected with SLX4-related conditions. ClinVar contains an entry for this variant (Variation ID: 807973). An algorithm developed to predict the effect of missense changes on protein structure and function (PolyPhen-2) suggests that this variant is likely to be disruptive. In summary, the available evidence is currently insufficient to determine the role of this variant in disease. Therefore, it has been classified as a Variant of Uncertain Significance.

CeGaT Center for Human Genetics Tuebingen
Classification: Uncertain significance. Last evaluated: 2017-12-01. Review status: criteria provided, single submitter. Criteria: CeGaT Center For Human Genetics Tuebingen Variant Classification Criteria Version 2. Collection method: clinical testing. Allele origin: germline. Affected: yes. Observed: 1 variant allele.

NM_032444.4(SLX4):c.1222C>T (p.Arg408Trp)

Gene: SLX4 (SLX4 structure-specific endonuclease subunit; minus strand). Cytogenetic location: 16p13.3.
Variant type: single nucleotide variant.
Coding change: c.1222C>T on transcript NM_032444.4 (MANE Select); coding-DNA position 1222, C replaced by T.
Protein change: p.Arg408Trp; replaces arginine 408 with tryptophan.
Molecular consequence: missense variant.
Genome position (GRCh38, 1-based): chr16:3,597,941, G>A on the plus strand (C>T on the coding strand, the complement: SLX4 is on the minus strand). VCF-style: chr16-3597941-G-A. GRCh37 (hg19) VCF-style: chr16-3647942-G-A.
Other names: short protein forms R408W.
Identifiers: ClinVar variation 807973 (VCV000807973.47), dbSNP rs758029323, ClinGen allele CA7866588.